The following is an entry in ClinVar:

ClinVar aggregate classification (germline): Uncertain significance (1 of 4 stars; one submission).

Conditions:
Deficiency of UDPglucose-hexose-1-phosphate uridylyltransferase. Also called: GALT deficiency; Galactosemia, classic; GALACTOSEMIA I; GALACTOSE-1-PHOSPHATE URIDYLYLTRANSFERASE DEFICIENCY; Transferase Deficiency Galactosemia. Identifiers: Orphanet 352, Orphanet 79239, MedGen C0268151, MONDO:0009258, OMIM 230400.

gnomAD v4.1: 1 of 1,614,196 alleles (0.000062%); highest among the groups gnomAD compares: Non-Finnish European, 0.000085%; no homozygotes.

Submission:

ARUP Laboratories, Molecular Genetics and Genomics, ARUP Laboratories
Classification: Uncertain significance for Deficiency of UDPglucose-hexose-1-phosphate uridylyltransferase. Last evaluated: 2021-04-21. Review status: criteria provided, single submitter. Criteria: ARUP Molecular Germline Variant Investigation Process 2021. Collection method: clinical testing. Allele origin: germline.
Comment: The GALT c.584T>G; p.Leu195Arg variant, to our knowledge, is not reported in the medical literature or gene specific databases. This variant is also absent from the Genome Aggregation Database, indicating it is not a common polymorphism. Additionally, another variant at this codon (c.584T>C; p.Leu195Pro) has been reported in individuals with galactosemia and is considered pathogenic (Boutron 2012, Kozak 2000). The leucine at codon 195 is moderately conserved, and computational analyses predict that this variant is deleterious (REVEL: 0.943). However, given the lack of clinical and functional data, the significance of the p.Leu195Arg variant is uncertain at this time. References: Boutron A et al. Mutation spectrum in the French cohort of galactosemic patients and structural simulation of 27 novel missense variations. Mol Genet Metab. 2012 Nov;107(3):438-47. PMID: 22944367. Kozak L et al. Mutation analysis of the GALT gene in Czech and Slovak galactosemia populations: identification of six novel mutations, including a stop codon mutation (X380R). Hum Mutat. 2000 Feb;15(2):206. PMID: 10649501.

NM_000155.4(GALT):c.584T>G (p.Leu195Arg)

Gene: GALT (galactose-1-phosphate uridylyltransferase; plus strand). Cytogenetic location: 9p13.3.
Variant type: single nucleotide variant.
Coding change: c.584T>G on transcript NM_000155.4 (MANE Select); coding-DNA position 584, T replaced by G.
Protein change: p.Leu195Arg; replaces leucine 195 with arginine.
Molecular consequence: missense variant.
Genome position (GRCh38, 1-based): chr9:34,648,353, T>G. VCF-style: chr9-34648353-T-G. GRCh37 (hg19) VCF-style: chr9-34648350-T-G.
Other names: c.257T>G, p.Leu86Arg (NM_001258332.2); short protein forms L195R, L86R.
Identifiers: ClinVar variation 1330797 (VCV001330797.7), dbSNP rs111033728, ClinGen allele CA373281916.